The following is an entry in ClinVar:

ClinVar aggregate classification (germline): Uncertain significance (1 of 4 stars; one submission).

Submission:

GeneDx
Classification: Uncertain significance. Last evaluated: 2026-04-17. Review status: criteria provided, single submitter. Criteria: GeneDx Variant Classification Process June 2021. Collection method: clinical testing. Allele origin: germline.
Comment: Not observed at significant frequency in large population cohorts (gnomAD); In silico analysis supports that this missense variant has a deleterious effect on protein structure/function; Has not been previously published as pathogenic or benign to our knowledge

NM_003482.4(KMT2D):c.1200C>G (p.His400Gln)

Gene: KMT2D (lysine methyltransferase 2D; minus strand). Cytogenetic location: 12q13.12.
Variant type: single nucleotide variant.
Coding change: c.1200C>G on transcript NM_003482.4 (MANE Select); coding-DNA position 1200, C replaced by G.
Protein change: p.His400Gln; replaces histidine 400 with glutamine.
Molecular consequence: missense variant.
Genome position (GRCh38, 1-based): chr12:49,052,622, G>C on the plus strand (C>G on the coding strand, the complement: KMT2D is on the minus strand). VCF-style: chr12-49052622-G-C. GRCh37 (hg19) VCF-style: chr12-49446405-G-C.
Other names: short protein forms H400Q.
Identifiers: ClinVar variation 4686742 (VCV004686742.2).